The following is an entry in ClinVar:

ClinVar aggregate classification (germline): Conflicting classifications of pathogenicity. Review status: criteria provided, conflicting classifications (1 of 4 stars). 7 submissions from 7 submitters: Uncertain significance (1); Likely benign (6). Last evaluated 2025-12-09.

Conditions:
Developmental and epileptic encephalopathy, 12 (DEE12). Identifiers: MedGen C3150988, MONDO:0013389, OMIM 613722.
Microcephaly, seizures, and developmental delay. Identifiers: Orphanet 1934, MedGen C3150667, MONDO:0013254, OMIM 613402.

Allele frequency attached by ClinVar (database versions not stated): ExAC 0.00003; gnomAD exomes 0.00004; TOPMed 0.00007.
gnomAD v4.1: 97 of 1,613,364 alleles (0.006%); highest among the groups gnomAD compares: Middle Eastern, 0.034%; no homozygotes.

Submissions (7):

Labcorp Genetics (formerly Invitae), Labcorp
Classification: Likely benign for Developmental and epileptic encephalopathy, 12. Last evaluated: 2025-12-09. Review status: criteria provided, single submitter. Criteria: Invitae Variant Classification Sherloc (09022015). Collection method: clinical testing. Allele origin: germline.

CeGaT Center for Human Genetics Tuebingen
Classification: Likely benign. Last evaluated: 2025-10-01. Review status: criteria provided, single submitter. Criteria: CeGaT Center For Human Genetics Tuebingen Variant Classification Criteria Version 2. Collection method: clinical testing. Allele origin: germline. Affected: yes. Observed: 2 variant alleles.
Comment: PNKP: BP4, BP7

Mayo Clinic Laboratories, Mayo Clinic
Classification: Likely benign. Last evaluated: 2025-07-11. Review status: criteria provided, single submitter. Criteria: ACMG Guidelines, 2015. Collection method: clinical testing. Allele origin: germline. Observed: 1 variant allele.
Comment: BP4, BP7

Women's Health and Genetics/Laboratory Corporation of America, LabCorp
Classification: Likely benign. Last evaluated: 2025-01-27. Review status: criteria provided, single submitter. Criteria: LabCorp Variant Classification Summary - May 2015. Collection method: clinical testing. Allele origin: germline.

Blueprint Genetics
Classification: Likely benign. Last evaluated: 2024-08-22. Review status: criteria provided, single submitter. Criteria: ACMG Guidelines, 2015. Collection method: clinical testing. Allele origin: germline.

GeneDx
Classification: Likely benign. Last evaluated: 2020-08-03. Review status: criteria provided, single submitter. Criteria: GeneDx Variant Classification Process June 2021. Collection method: clinical testing. Allele origin: germline. Affected: yes.

Illumina Laboratory Services, Illumina
Classification: Uncertain significance for Microcephaly, seizures, and developmental delay. Last evaluated: 2018-01-12. Review status: criteria provided, single submitter. Criteria: ICSL Variant Classification Criteria 13 December 2019. Collection method: clinical testing. Allele origin: germline.

NM_007254.4(PNKP):c.264G>T (p.Gly88=)

Gene: PNKP (polynucleotide kinase 3'-phosphatase; minus strand). Cytogenetic location: 19q13.33.
Variant type: single nucleotide variant.
Coding change: c.264G>T on transcript NM_007254.4 (MANE Select); coding-DNA position 264, G replaced by T.
Protein change: p.Gly88=; no amino-acid change (glycine 88 retained).
Molecular consequence: synonymous variant.
Genome position (GRCh38, 1-based): chr19:49,865,361, C>A on the plus strand (G>T on the coding strand, the complement: PNKP is on the minus strand). VCF-style: chr19-49865361-C-A. GRCh37 (hg19) VCF-style: chr19-50368618-C-A.
Other names: p.Gly88=.
Identifiers: ClinVar variation 844974 (VCV000844974.40), dbSNP rs766589333, ClinGen allele CA9586981.